The following is an entry in ClinVar:

ClinVar aggregate classification (germline): Uncertain significance (1 of 4 stars; one submission).

Conditions:
Familial hypercholesterolemia. Also called: Familial hypercholesterolaemia. Identifiers: MedGen C0020445, MONDO:0005439.

gnomAD v4.1: 11 of 1,597,220 alleles (0.00069%); highest among the groups gnomAD compares: Non-Finnish European, 0.00094%; no homozygotes.

Submission:

Color Diagnostics, LLC DBA Color Health
Classification: Uncertain significance for Familial hypercholesterolemia. Last evaluated: 2025-06-09. Review status: criteria provided, single submitter. Criteria: ACMG Guidelines, 2015. Collection method: clinical testing. Allele origin: germline.
Comment: This missense variant replaces proline with histidine at codon 618 of the PCSK9 protein. Computational prediction suggests that this variant may not impact protein structure and function. To our knowledge, functional studies have not been reported for this variant. This variant has not been reported in individuals affected with PCSK9-related disorders in the literature. This variant has been identified in 1/216832 chromosomes in the general population by the Genome Aggregation Database (gnomAD). The available evidence is insufficient to determine the role of this variant in disease conclusively. Therefore, this variant is classified as a Variant of Uncertain Significance.

NM_174936.4(PCSK9):c.1853C>A (p.Pro618His)

Gene: PCSK9 (proprotein convertase subtilisin/kexin type 9; plus strand). Cytogenetic location: 1p32.3.
Variant type: single nucleotide variant.
Coding change: c.1853C>A on transcript NM_174936.4 (MANE Select); coding-DNA position 1853, C replaced by A.
Protein change: p.Pro618His; replaces proline 618 with histidine.
Molecular consequence: missense variant. On other transcripts: non-coding transcript variant (8).
Genome position (GRCh38, 1-based): chr1:55,061,546, C>A. VCF-style: chr1-55061546-C-A. GRCh37 (hg19) VCF-style: chr1-55527219-C-A.
Other names: c.1976C>A, p.Pro659His (NM_001407240.1); c.1895C>A, p.Pro632His (NM_001407241.1); c.1856C>A, p.Pro619His (NM_001407242.1); c.1796C>A, p.Pro599His (NM_001407243.1); c.1679C>A, p.Pro560His (NM_001407244.1); c.1661C>A, p.Pro554His (NM_001407245.1); c.1478C>A, p.Pro493His (NM_001407246.1); c.1352C>A, p.Pro451His (NM_001407247.1); short protein forms P451H, P493H, P554H, P560H, P599H, P618H, P619H, P632H.
Identifiers: ClinVar variation 4758355 (VCV004758355.1).